The following is an entry in ClinVar:

NM_152564.5(VPS13B):c.2476G>C (p.Val826Leu)

Gene: VPS13B (vacuolar protein sorting 13 homolog B; plus strand). Cytogenetic location: 8q22.2.
Variant type: single nucleotide variant.
Coding change: c.2476G>C on transcript NM_152564.5 (MANE Select); coding-DNA position 2476, G replaced by C.
Protein change: p.Val826Leu; replaces valine 826 with leucine.
Molecular consequence: missense variant.
Genome position (GRCh38, 1-based): chr8:99,193,018, G>C. VCF-style: chr8-99193018-G-C. GRCh37 (hg19) VCF-style: chr8-100205246-G-C.
Other names: c.2476G>C, p.Val826Leu (NM_015243.3, NM_017890.5); short protein forms V826L.
Identifiers: ClinVar variation 4977385 (VCV004977385.1).

ClinVar aggregate classification (germline): Uncertain significance (1 of 4 stars; one submission).

Conditions:
VPS13B-related disorder. Also called: VPS13B-related condition.

gnomAD v4.1: 1 of 1,613,588 alleles (0.000062%); highest among the groups gnomAD compares: Non-Finnish European, 0.000085%; no homozygotes.

Submission:

PreventionGenetics, part of Exact Sciences
Classification: Uncertain significance for VPS13B-related condition. Last evaluated: 2025-05-21. Review status: criteria provided, single submitter. Criteria: ACMG Guidelines, 2015. Collection method: clinical testing. Allele origin: germline.
Comment: The VPS13B c.2476G>C variant is predicted to result in the amino acid substitution p.Val826Leu. To our knowledge, this variant has not been reported in the literature or in a large population database (gnomAD), indicating this variant is rare. At this time, the clinical significance of this variant is uncertain due to the absence of conclusive functional and genetic evidence.